The following is an entry in ClinVar:

NM_004947.5(DOCK3):c.5175C>T (p.Gly1725=)

Gene: DOCK3 (dedicator of cytokinesis 3; plus strand). Cytogenetic location: 3p21.2.
Variant type: single nucleotide variant.
Coding change: c.5175C>T on transcript NM_004947.5 (MANE Select); coding-DNA position 5175, C replaced by T.
Protein change: p.Gly1725=; no amino-acid change (glycine 1725 retained).
Molecular consequence: synonymous variant.
Genome position (GRCh38, 1-based): chr3:51,362,556, C>T. VCF-style: chr3-51362556-C-T. GRCh37 (hg19) VCF-style: chr3-51399987-C-T.
Identifiers: ClinVar variation 3034700 (VCV003034700.3), dbSNP rs114813991, ClinGen allele CA2421957.

ClinVar aggregate classification (germline): Likely benign. Review status: criteria provided, single submitter (1 of 4 stars). 2 submissions from 2 submitters: Likely benign (1). 1 of the submissions does not count toward it. Last evaluated 2024-11-06.

Conditions:
DOCK3-related disorder. Also called: DOCK3-related condition.

Allele frequency attached by ClinVar (database versions not stated): ExAC 0.00061; 1000 Genomes Project 0.00120; 1000 Genomes Project 30x 0.00156; gnomAD 0.00259; TOPMed 0.00289; ESP Exome Variant Server 0.00302.
gnomAD v4.1: 773 of 1,614,034 alleles (0.048%); highest among the groups gnomAD compares: African/African-American, 0.9%; 7 homozygotes.

Submissions (2):

Blueprint Genetics
Classification: Likely benign. Last evaluated: 2024-11-06. Review status: criteria provided, single submitter. Criteria: ACMG Guidelines, 2015. Collection method: clinical testing. Allele origin: germline.

PreventionGenetics, part of Exact Sciences
Classification: Likely benign for DOCK3-related condition. Last evaluated: 2019-08-13. Review status: no assertion criteria provided. Collection method: clinical testing. Allele origin: germline. Not counted in ClinVar's aggregate classification.
Comment: This variant is classified as likely benign based on ACMG/AMP sequence variant interpretation guidelines (Richards et al. 2015 PMID: 25741868, with internal and published modifications).